The following is an entry in ClinVar:

ClinVar aggregate classification (germline): Uncertain significance (1 of 4 stars; one submission).

Conditions:
Atypical hemolytic-uremic syndrome. Identifiers: Orphanet 2134, MedGen C2931788, MONDO:0016244.
Basal laminar drusen. Also called: DRUSEN OF BRUCH MEMBRANE; DRUSEN, CUTICULAR; DRUSEN, EARLY ADULT-ONSET, GROUPED. Identifiers: Orphanet 75376, MedGen C0730295, MONDO:0007472, OMIM 126700.
Factor H deficiency (CFHD). Also called: COMPLEMENT FACTOR H DEFICIENCY; CFH DEFICIENCY. Identifiers: Orphanet 200421, MedGen C0398777, MONDO:0012350, OMIM 609814.
Age related macular degeneration 4. Identifiers: MedGen C1853147, MONDO:0012540, OMIM 610698.

Submission:

Genomenon, Inc
Classification: Uncertain significance for Basal laminar drusen; Age related macular degeneration 4; Atypical hemolytic-uremic syndrome; Factor H deficiency. Last evaluated: 2025-10-02. Review status: criteria provided, single submitter. Criteria: Genomenon Sequence Variant Interpretation Standards - Updated. Collection method: curation. Allele origin: germline. Affected: no.
Comment: CFH p.Ser1209Pro (c.3625T>C) is a missense variant that changes the amino acid at residue 1209 from Serine to Proline. This variant has been reported in the published literature (PMID:21531728). It is absent or not present at a significant frequency in gnomAD. In silico models agree that this variant is not damaging. In conclusion, we classify CFH p.Ser1209Pro (c.3625T>C) as a variant of uncertain significance.

Literature cited by the submitters: PubMed 21531728.

NM_000186.4(CFH):c.3625T>C (p.Ser1209Pro)

Gene: CFH (complement factor H; plus strand). Cytogenetic location: 1q31.3.
Variant type: single nucleotide variant.
Coding change: c.3625T>C on transcript NM_000186.4 (MANE Select); coding-DNA position 3625, T replaced by C.
Protein change: p.Ser1209Pro; replaces serine 1209 with proline.
Molecular consequence: missense variant.
Genome position (GRCh38, 1-based): chr1:196,747,242, T>C. VCF-style: chr1-196747242-T-C. GRCh37 (hg19) VCF-style: chr1-196716372-T-C.
Other names: short protein forms S1209P.
Identifiers: ClinVar variation 4291632 (VCV004291632.1).
Genomic context (GRCh38, chr1:196,747,242, plus strand): 5'-CTTTATTCGAGAACAGGTGAATCAGTTGAATTTGTGTGTAAACGGGGATATCGTCTTTCA[T>C]CACGTTCTCACACATTGCGAACAACATGTTGGGATGGGAAACTGGAGTATCCAACTTGTG-3'
Protein context (NP_000177.2, residues 1199-1219): FVCKRGYRLS[Ser1209Pro]RSHTLRTTCW